The following is an entry in ClinVar:

ClinVar aggregate classification (germline): Uncertain significance. Review status: criteria provided, multiple submitters, no conflicts (2 of 4 stars). 2 submissions from 2 submitters: Uncertain significance (2). Last evaluated 2024-03-25.

Conditions:
Inborn genetic diseases. Identifiers: MedGen C0950123, MeSH D030342.
Psoriasis 2. Identifiers: MedGen C1864497, MONDO:0011269, OMIM 602723.
Pityriasis rubra pilaris (PRP). Also called: Pityriasis rubra pilaris--familial type. Identifiers: Orphanet 2897, MedGen C0032027, MONDO:0100017, OMIM 173200, MONDO:0008251.

Submissions (2):

Ambry Genetics
Classification: Uncertain significance for Inborn genetic diseases. Last evaluated: 2024-03-25. Review status: criteria provided, single submitter. Criteria: Ambry Variant Classification Scheme 2023. Collection method: clinical testing. Allele origin: germline.

Labcorp Genetics (formerly Invitae), Labcorp
Classification: Uncertain significance for Pityriasis rubra pilaris; Psoriasis 2. Last evaluated: 2023-08-04. Review status: criteria provided, single submitter. Criteria: Invitae Variant Classification Sherloc (09022015). Collection method: clinical testing. Allele origin: germline.
Comment: In summary, the available evidence is currently insufficient to determine the role of this variant in disease. Therefore, it has been classified as a Variant of Uncertain Significance. An algorithm developed to predict the effect of missense changes on protein structure and function (PolyPhen-2) suggests that this variant is likely to be tolerated. This variant has not been reported in the literature in individuals affected with CARD14-related conditions. This variant is not present in population databases (gnomAD no frequency). This sequence change replaces serine, which is neutral and polar, with tyrosine, which is neutral and polar, at codon 544 of the CARD14 protein (p.Ser544Tyr).

NM_001366385.1(CARD14):c.1631C>A (p.Ser544Tyr)

Gene: CARD14 (caspase recruitment domain family member 14; plus strand). Cytogenetic location: 17q25.3.
Variant type: single nucleotide variant.
Coding change: c.1631C>A on transcript NM_001366385.1 (MANE Select); coding-DNA position 1631, C replaced by A.
Protein change: p.Ser544Tyr; replaces serine 544 with tyrosine.
Molecular consequence: missense variant. On other transcripts: non-coding transcript variant (1).
Genome position (GRCh38, 1-based): chr17:80,198,135, C>A. VCF-style: chr17-80198135-C-A. GRCh37 (hg19) VCF-style: chr17-78171934-C-A.
Other names: c.1631C>A, p.Ser544Tyr (NM_001257970.1, NM_024110.4); c.920C>A, p.Ser307Tyr (NM_052819.3); c.1631C>A (NM_024110.3); short protein forms S307Y, S544Y.
Identifiers: ClinVar variation 2940445 (VCV002940445.4), dbSNP rs577482241, ClinGen allele CA401350660.